The following is an entry in ClinVar:

ClinVar aggregate classification (germline): Uncertain significance (1 of 4 stars; one submission).

Conditions:
Familial thoracic aortic aneurysm and aortic dissection (TAAD). Also called: Thoracic aortic aneurysms and dissections. Identifiers: Orphanet 91387, MedGen C4707243, MONDO:0019625.

Submission:

Color Diagnostics, LLC DBA Color Health
Classification: Uncertain significance for Familial thoracic aortic aneurysm and aortic dissection. Last evaluated: 2025-09-13. Review status: criteria provided, single submitter. Criteria: ACMG Guidelines, 2015. Collection method: clinical testing. Allele origin: germline.
Comment: This variant inserts 1 nucleotide in exon 5 of the MYH11 gene, creating a frameshift and premature translation stop signal. This variant is expected to result in an absent or non-functional protein product. To our knowledge, this variant has not been reported in individuals affected with MYH11-related disorders in the literature. This variant has not been identified in the general population by the Genome Aggregation Database (gnomAD). The role of loss-of-function MYH11 truncation variants in autosomal dominant cardiovascular disorders is not clearly understood. The available evidence is insufficient to determine the role of this variant in disease conclusively. Therefore, this variant is classified as a Variant of Uncertain Significance.

NM_002474.3(MYH11):c.631dup (p.Thr211fs)

Gene: MYH11 (myosin heavy chain 11; minus strand). Cytogenetic location: 16p13.11.
Variant type: Duplication.
Coding change: c.631dup on transcript NM_002474.3 (MANE Select); coding-DNA position 631, one base duplicated (A; older notation c.631dupA).
Protein change: p.Thr211fs; shifts the reading frame from threonine 211.
Molecular consequence: frameshift variant.
Genome position (GRCh38, 1-based): chr16:15,786,632, T duplicated on the plus strand (A on the coding strand, the reverse complement: MYH11 is on the minus strand). VCF-style (leftmost placement, unchanged base first): chr16-15786631-G-GT. GRCh37 (hg19) VCF-style: chr16-15880488-G-GT.
Other names: c.631dup, p.Thr211fs (NM_001040113.2, NM_001040114.2, NM_022844.3); short protein forms T211fs.
Identifiers: ClinVar variation 4756427 (VCV004756427.1).